The following is an entry in ClinVar:

ClinVar aggregate classification (germline): Uncertain significance. Review status: criteria provided, multiple submitters, no conflicts (2 of 4 stars). 2 submissions from 2 submitters: Uncertain significance (2). Last evaluated 2024-11-28.

Conditions:
DICER1-related tumor predisposition. Also called: DICER1 syndrome; DICER1-related pleuropulmonary blastoma cancer predisposition syndrome. Identifiers: Orphanet 284343, MedGen C3839822, MONDO:0100216.
Hereditary cancer-predisposing syndrome. Also called: Hereditary neoplastic syndrome; Tumor predisposition; Neoplastic Syndromes, Hereditary; Hereditary Cancer Syndrome. Identifiers: Orphanet 140162, MedGen C0027672, MeSH D009386, MONDO:0015356.

Submissions (3):

Ambry Genetics
Classification: Uncertain significance for Hereditary cancer-predisposing syndrome. Last evaluated: 2024-11-28. Review status: criteria provided, single submitter. Criteria: Ambry Variant Classification Scheme 2023. Collection method: clinical testing. Allele origin: germline.
Comment: The p.P714S variant (also known as c.2140C>T), located in coding exon 13 of the DICER1 gene, results from a C to T substitution at nucleotide position 2140. The proline at codon 714 is replaced by serine, an amino acid with similar properties. This amino acid position is conserved. In addition, this alteration is predicted to be deleterious by in silico analysis. Based on the available evidence, the clinical significance of this variant remains unclear.

Labcorp Genetics (formerly Invitae), Labcorp
Classification: Uncertain significance for DICER1-related tumor predisposition. Last evaluated: 2022-09-15. Review status: criteria provided, single submitter. Criteria: Invitae Variant Classification Sherloc (09022015). Collection method: clinical testing. Allele origin: germline.
Comment: This variant has not been reported in the literature in individuals affected with DICER1-related conditions. This variant is not present in population databases (gnomAD no frequency). This sequence change replaces proline, which is neutral and non-polar, with serine, which is neutral and polar, at codon 714 of the DICER1 protein (p.Pro714Ser). Advanced modeling of protein sequence and biophysical properties (such as structural, functional, and spatial information, amino acid conservation, physicochemical variation, residue mobility, and thermodynamic stability) performed at Invitae indicates that this missense variant is expected to disrupt DICER1 protein function. In summary, the available evidence is currently insufficient to determine the role of this variant in disease. Therefore, it has been classified as a Variant of Uncertain Significance.

Dr. Peter K. Rogan Lab, Western University
No classification provided (evidence only). Condition: Thymoma. Review status: no classification provided. Collection method: in vitro. Allele origin: not applicable. Functional consequence: retained intron. Not counted in ClinVar's aggregate classification.

NM_177438.3(DICER1):c.2140C>T (p.Pro714Ser)

Gene: DICER1 (dicer 1, ribonuclease III; minus strand). Cytogenetic location: 14q32.13.
Variant type: single nucleotide variant.
Coding change: c.2140C>T on transcript NM_177438.3 (MANE Select); coding-DNA position 2140, C replaced by T.
Protein change: p.Pro714Ser; replaces proline 714 with serine.
Molecular consequence: missense variant. On other transcripts: non-coding transcript variant (6).
Genome position (GRCh38, 1-based): chr14:95,111,433, G>A on the plus strand (C>T on the coding strand, the complement: DICER1 is on the minus strand). VCF-style: chr14-95111433-G-A. GRCh37 (hg19) VCF-style: chr14-95577770-G-A.
Other names: c.2140C>T, p.Pro714Ser (NM_001195573.1, NM_001271282.3, NM_001291628.2 and 13 more transcripts); c.1858C>T, p.Pro620Ser (NM_001395686.1); c.1735C>T, p.Pro579Ser (NM_001395687.1, NM_001395688.1, NM_001395689.1 and 3 more transcripts); c.1573C>T, p.Pro525Ser (NM_001395691.1); c.457C>T, p.Pro153Ser (NM_001395697.1); short protein forms P153S, P525S, P579S, P620S, P714S.
Identifiers: ClinVar variation 1719499 (VCV001719499.8), dbSNP rs911090648, ClinGen allele CA390882851.